The following is an entry in ClinVar:

NM_006231.4(POLE):c.1519G>T (p.Val507Leu)

Gene: POLE (DNA polymerase epsilon, catalytic subunit; minus strand). Cytogenetic location: 12q24.33.
Variant type: single nucleotide variant.
Coding change: c.1519G>T on transcript NM_006231.4 (MANE Select); coding-DNA position 1519, G replaced by T.
Protein change: p.Val507Leu; replaces valine 507 with leucine.
Molecular consequence: missense variant.
Genome position (GRCh38, 1-based): chr12:132,672,794, C>A on the plus strand (G>T on the coding strand, the complement: POLE is on the minus strand). VCF-style: chr12-132672794-C-A. GRCh37 (hg19) VCF-style: chr12-133249380-C-A.
Other names: c.1519G>T (NM_006231.2); short protein forms V507L.
Identifiers: ClinVar variation 2081654 (VCV002081654.5), dbSNP rs1432824935, ClinGen allele CA387357464.

ClinVar aggregate classification (germline): Uncertain significance. Review status: criteria provided, multiple submitters, no conflicts (2 of 4 stars). 2 submissions from 2 submitters: Uncertain significance (2). Last evaluated 2024-03-09.

Conditions:
Hereditary cancer-predisposing syndrome. Also called: Tumor predisposition; Neoplastic Syndromes, Hereditary; Hereditary Cancer Syndrome; Hereditary neoplastic syndrome. Identifiers: Orphanet 140162, MedGen C0027672, MeSH D009386, MONDO:0015356.

gnomAD v4.1: 1 of 1,614,172 alleles (0.000062%); highest among the groups gnomAD compares: Middle Eastern, 0.016%; no homozygotes.

Submissions (2):

Ambry Genetics
Classification: Uncertain significance for Hereditary cancer-predisposing syndrome. Last evaluated: 2024-03-09. Review status: criteria provided, single submitter. Criteria: Ambry Variant Classification Scheme 2023. Collection method: clinical testing. Allele origin: germline.
Comment: The p.V507L variant (also known as c.1519G>T), located in coding exon 15 of the POLE gene, results from a G to T substitution at nucleotide position 1519. The valine at codon 507 is replaced by leucine, an amino acid with highly similar properties. This amino acid position is conserved. In addition, the in silico prediction for this alteration is inconclusive. Based on the available evidence, the clinical significance of this alteration remains unclear.

Labcorp Genetics (formerly Invitae), Labcorp
Classification: Uncertain significance. Last evaluated: 2022-01-15. Review status: criteria provided, single submitter. Criteria: Invitae Variant Classification Sherloc (09022015). Collection method: clinical testing. Allele origin: germline.
Comment: This sequence change replaces valine, which is neutral and non-polar, with leucine, which is neutral and non-polar, at codon 507 of the POLE protein (p.Val507Leu). This variant is not present in population databases (gnomAD no frequency). This variant has not been reported in the literature in individuals affected with POLE-related conditions. Algorithms developed to predict the effect of missense changes on protein structure and function (SIFT, PolyPhen-2, Align-GVGD) all suggest that this variant is likely to be disruptive. In summary, the available evidence is currently insufficient to determine the role of this variant in disease. Therefore, it has been classified as a Variant of Uncertain Significance.